The following is an entry in ClinVar:

NM_002473.6(MYH9):c.688G>A (p.Asp230Asn)

Gene: MYH9 (myosin heavy chain 9; minus strand). Cytogenetic location: 22q12.3.
Variant type: single nucleotide variant.
Coding change: c.688G>A on transcript NM_002473.6 (MANE Select); coding-DNA position 688, G replaced by A.
Protein change: p.Asp230Asn; replaces aspartic acid 230 with asparagine.
Molecular consequence: missense variant.
Genome position (GRCh38, 1-based): chr22:36,322,446, C>T on the plus strand (G>A on the coding strand, the complement: MYH9 is on the minus strand). VCF-style: chr22-36322446-C-T. GRCh37 (hg19) VCF-style: chr22-36718491-C-T.
Other names: short protein forms D230N.
Identifiers: ClinVar variation 3712737 (VCV003712737.8).
Genomic context (GRCh38, chr22:36,322,446, plus strand): 5'-AGGCCCTCTGTCCCCAGAGCCGGGGCGCCGCCGCGCTACTCACGAAGCGGGAGGAGTTGT[C>T]ATTCTTCACGGTCTTGGCGTTCCCGAAGGCCTCCAGGATGGGGTTGGCCTGCAGCAGCTG-3'
Protein context (NP_002464.1, residues 220-240): AFGNAKTVKN[Asp230Asn]NSSRFGKFIR

ClinVar aggregate classification (germline): Conflicting classifications of pathogenicity. Review status: criteria provided, conflicting classifications (1 of 4 stars). 2 submissions from 2 submitters: Uncertain significance (1); Likely benign (1). Last evaluated 2025-10-01.

gnomAD v4.1: 21 of 1,613,936 alleles (0.0013%); highest among the groups gnomAD compares: Non-Finnish European, 0.0017%; no homozygotes.

Submissions (2):

CeGaT Center for Human Genetics Tuebingen
Classification: Uncertain significance. Last evaluated: 2025-10-01. Review status: criteria provided, single submitter. Criteria: CeGaT Center For Human Genetics Tuebingen Variant Classification Criteria Version 2. Collection method: clinical testing. Allele origin: germline. Affected: yes. Observed: 1 variant allele.
Comment: MYH9: PP3

Labcorp Genetics (formerly Invitae), Labcorp
Classification: Likely benign. Last evaluated: 2025-03-17. Review status: criteria provided, single submitter. Criteria: Invitae Variant Classification Sherloc (09022015). Collection method: clinical testing. Allele origin: germline.